The following is an entry in ClinVar:

ClinVar aggregate classification (germline): Pathogenic (1 of 4 stars; one submission).

Conditions:
Maple syrup urine disease (MSUD). Identifiers: Orphanet 511, MedGen C0024776, MeSH D008375, MONDO:0009563. Disease mechanism: loss of function.

Allele frequency attached by ClinVar (database versions not stated): gnomAD exomes below 0.00001; gnomAD 0.00001.
gnomAD v4.1: 2 of 1,614,098 alleles (0.00012%); highest among the groups gnomAD compares: Non-Finnish European, 0.00017%; no homozygotes.

Submission:

Labcorp Genetics (formerly Invitae), Labcorp
Classification: Pathogenic for Maple syrup urine disease. Last evaluated: 2022-02-04. Review status: criteria provided, single submitter. Criteria: Invitae Variant Classification Sherloc (09022015). Collection method: clinical testing. Allele origin: germline.
Comment: For these reasons, this variant has been classified as Pathogenic. ClinVar contains an entry for this variant (Variation ID: 1069052). This premature translational stop signal has been observed in individual(s) with maple syrup urine disease (PMID: 24772966). This variant is present in population databases (no rsID available, gnomAD 0.007%). This sequence change creates a premature translational stop signal (p.Gln44*) in the BCKDHA gene. It is expected to result in an absent or disrupted protein product. Loss-of-function variants in BCKDHA are known to be pathogenic (PMID: 16786533, 22593002).

Literature cited by the submitters: PubMed 24772966; PubMed 16786533; PubMed 22593002.

NM_000709.4(BCKDHA):c.130C>T (p.Gln44Ter)

Gene: BCKDHA (branched chain keto acid dehydrogenase E1 subunit alpha; plus strand). Cytogenetic location: 19q13.2.
Variant type: single nucleotide variant.
Coding change: c.130C>T on transcript NM_000709.4 (MANE Select); coding-DNA position 130, C replaced by T.
Protein change: p.Gln44Ter; replaces glutamine 44 with a stop codon.
Molecular consequence: nonsense.
Genome position (GRCh38, 1-based): chr19:41,410,658, C>T. VCF-style: chr19-41410658-C-T. GRCh37 (hg19) VCF-style: chr19-41916563-C-T.
Other names: c.130C>T, p.Gln44Ter (NM_001164783.2); short protein forms Q44*.
Identifiers: ClinVar variation 1069052 (VCV001069052.9), dbSNP rs1220443382, ClinGen allele CA406004562.